The following is an entry in ClinVar:

NM_004183.4(BEST1):c.604C>T (p.Arg202Trp)

Gene: BEST1 (bestrophin 1; plus strand). Cytogenetic location: 11q12.3.
Variant type: single nucleotide variant.
Coding change: c.604C>T on transcript NM_004183.4 (MANE Select); coding-DNA position 604, C replaced by T.
Protein change: p.Arg202Trp; replaces arginine 202 with tryptophan.
Molecular consequence: missense variant. On other transcripts: non-coding transcript variant (1).
Genome position (GRCh38, 1-based): chr11:61,956,966, C>T. VCF-style: chr11-61956966-C-T. GRCh37 (hg19) VCF-style: chr11-61724438-C-T.
Other names: c.-572C>T (NM_001363593.3); c.424C>T, p.Arg142Trp (NM_001139443.3, NM_001300786.2, NM_001300787.2); c.286C>T, p.Arg96Trp (NM_001363591.3); c.604C>T, p.Arg202Trp (NM_001363592.2); short protein forms R202W, R142W, R96W.
Identifiers: ClinVar variation 265462 (VCV000265462.11), dbSNP rs765998048, ClinGen allele CA6040780.

ClinVar aggregate classification (germline): Pathogenic/Likely pathogenic. Review status: criteria provided, multiple submitters, no conflicts (2 of 4 stars). 5 submissions from 5 submitters: Pathogenic (3); Likely pathogenic (2). Last evaluated 2026-04-01.

Conditions:
BEST1-related disorder. Also called: BEST1-related disorders; BEST1-related condition. Identifiers: MedGen CN239200.
Retinal dystrophy. Also called: Inherited retinal dystrophy. Identifiers: Orphanet 71862, MedGen C0854723, MeSH D058499, MONDO:0019118, HP:0000556.
Autosomal recessive bestrophinopathy. Also called: Autosomal Recessive Bestrophinopathy (ARB). Identifiers: Orphanet 139455, MedGen C3888198, MONDO:0012733, OMIM 611809.

Allele frequency attached by ClinVar (database versions not stated): TOPMed 0.00001; ExAC 0.00002; gnomAD exomes 0.00002.

Submissions (5):

PreventionGenetics, part of Exact Sciences
Classification: Likely pathogenic for BEST1-related condition. Last evaluated: 2026-04-01. Review status: criteria provided, single submitter. Criteria: ACMG Guidelines, 2015. Collection method: clinical testing. Allele origin: germline.
Comment: The BEST1 c.604C>T variant is predicted to result in the amino acid substitution p.Arg202Trp. This variant has been reported in the homozygous state or with a second BEST1 variant in individuals with autosomal recessive bestrophinopathy (ARB; see, for example: Davidson et al. 2011. PubMed ID: 21330666; Gao et al. 2020. PubMed ID: 31519547; Pfister et al. 2021. PubMed ID: 34015078). The heterozygous father of an individual with ARB has been reported to have symptoms consistent with Best vitelliform macular dystrophy; however, the proband's asymptomatic brother was also heterozygous for this variant (Gao et al. 2020. PubMed ID: 31519547). In vitro experimental studies indicate this variant impacts protein function (Davidson et al. 2011. PubMed ID: 21330666; Uggenti et al. 2016. PubMed ID: 27519691). This variant is reported in 0.0058% of alleles in individuals of Latino descent in gnomAD. This variant is interpreted as likely pathogenic for autosomal recessive bestrophinopathies.

Labcorp Genetics (formerly Invitae), Labcorp
Classification: Pathogenic. Last evaluated: 2026-01-23. Review status: criteria provided, single submitter. Criteria: Invitae Variant Classification Sherloc (09022015). Collection method: clinical testing. Allele origin: germline.
Comment: This sequence change replaces arginine, which is basic and polar, with tryptophan, which is neutral and slightly polar, at codon 202 of the BEST1 protein (p.Arg202Trp). This variant is present in population databases (rs765998048, gnomAD 0.006%). This missense change has been observed in individual(s) with autosomal recessive bestrophinopathy (PMID: 31519547, 31766397). In at least one individual the data is consistent with being in trans (on the opposite chromosome) from a pathogenic variant. ClinVar contains an entry for this variant (Variation ID: 265462). Invitae Evidence Modeling of protein sequence and biophysical properties (such as structural, functional, and spatial information, amino acid conservation, physicochemical variation, residue mobility, and thermodynamic stability) indicates that this missense variant is expected to disrupt BEST1 protein function with a positive predictive value of 95%. Experimental studies have shown that this missense change affects BEST1 function (PMID: 21330666, 27519691). For these reasons, this variant has been classified as Pathogenic.

Institute of Human Genetics, Univ. Regensburg, Univ. Regensburg
Classification: Pathogenic for Retinal dystrophy. Last evaluated: 2021-01-01. Review status: criteria provided, single submitter. Criteria: ACMG Guidelines, 2015. Collection method: clinical testing. Allele origin: germline. Affected: yes.

GeneDx
Classification: Pathogenic. Last evaluated: 2016-05-26. Review status: criteria provided, single submitter. Criteria: GeneDx Variant Classification (06012015). Collection method: clinical testing. Allele origin: germline. Affected: yes.
Comment: The R202W variant has been reported in the compound heterozygous state with a second pathogenic variant in association with autosomal recessive bestrophinopathy (Davidson et al., 2011). The R202W variant was not observed in approximately 6500 individuals of European and African American ancestry in the NHLBI Exome Sequencing Project, indicating it is not a common benign variant in these populations. The R202W variant is a non-conservative amino acid substitution, which occurs at a position that is conserved in mammals. Functional studies indicate that cells expressing R202W show do not traffic correctly to the cell membrane, have increased levels of proteasomal degradation compared to wild type protein, and have reduced chloride conductance (Davidson et al., 2011). Missense variants in nearby residues (I201T, I205T) have been reported in the Human Gene Mutation Database in association with a Best1-related disorder (Stenson et al., 2014), supporting the functional importance of this region of the protein. We interpret R202W as a pathogenic variant.

Juno Genomics, Hangzhou Juno Genomics, Inc
Classification: Likely pathogenic for Autosomal recessive bestrophinopathy. Review status: criteria provided, single submitter. Criteria: ACMG Guidelines, 2015. Collection method: clinical testing. Allele origin: germline. Affected: yes.
Comment: Absent from controls (or at extremely low frequency if recessive) in Genome Aggregation Database, Exome Sequencing Project, 1000 Genomes Project, or Exome Aggregation Consortium.;Well-established in vitro or in vivo functional studies supportive of a damaging effect on the gene or gene product.;For recessive disorders, detected in trans with a pathogenic variant.;Patient's phenotype or family history is highly specific for a disease with a single genetic etiology.

Literature cited by the submitters: PubMed 31519547 (cited by Labcorp Genetics (formerly Invitae), Labcorp and Institute of Human Genetics, Univ. Regensburg, Univ. Regensburg); PubMed 31766397 (cited by Labcorp Genetics (formerly Invitae), Labcorp and Institute of Human Genetics, Univ. Regensburg, Univ. Regensburg); PubMed 21330666 (cited by Labcorp Genetics (formerly Invitae), Labcorp and Institute of Human Genetics, Univ. Regensburg, Univ. Regensburg); PubMed 27519691 (cited by Labcorp Genetics (formerly Invitae), Labcorp); PubMed 34426522 (cited by Institute of Human Genetics, Univ. Regensburg, Univ. Regensburg); PubMed 34015078 (cited by Institute of Human Genetics, Univ. Regensburg, Univ. Regensburg).